The following is an entry in ClinVar:

ClinVar aggregate classification (germline): Uncertain significance (1 of 4 stars; one submission).

Submission:

Labcorp Genetics (formerly Invitae), Labcorp
Classification: Uncertain significance. Last evaluated: 2025-08-18. Review status: criteria provided, single submitter. Criteria: Invitae Variant Classification Sherloc (09022015). Collection method: clinical testing. Allele origin: germline.
Comment: This sequence change replaces valine, which is neutral and non-polar, with methionine, which is neutral and non-polar, at codon 453 of the MARS2 protein (p.Val453Met). This variant is present in population databases (no rsID available, gnomAD 0.003%). This variant has not been reported in the literature in individuals affected with MARS2-related conditions. ClinVar contains an entry for this variant (Variation ID: 3688182). Invitae Evidence Modeling of protein sequence and biophysical properties (such as structural, functional, and spatial information, amino acid conservation, physicochemical variation, residue mobility, and thermodynamic stability) indicates that this missense variant is not expected to disrupt MARS2 protein function with a negative predictive value of 80%. In summary, the available evidence is currently insufficient to determine the role of this variant in disease. Therefore, it has been classified as a Variant of Uncertain Significance.

NM_138395.4(MARS2):c.1357G>A (p.Val453Met)

Gene: MARS2 (methionyl-tRNA synthetase 2, mitochondrial; plus strand). Cytogenetic location: 2q33.1.
Variant type: single nucleotide variant.
Coding change: c.1357G>A on transcript NM_138395.4 (MANE Select); coding-DNA position 1357, G replaced by A.
Protein change: p.Val453Met; replaces valine 453 with methionine.
Molecular consequence: missense variant.
Genome position (GRCh38, 1-based): chr2:197,706,762, G>A. VCF-style: chr2-197706762-G-A. GRCh37 (hg19) VCF-style: chr2-198571486-G-A.
Other names: short protein forms V453M.
Identifiers: ClinVar variation 3688182 (VCV003688182.2).
Genomic context (GRCh38, chr2:197,706,762, plus strand): 5'-CCAGGGTTGGTGGGGCCGTCAGTTCGTGCTCAGGCAGAGGATTATGCTCTGGTGAGCGCA[G>A]TGGCCACTTTGCCAAAGCAGGTAGCAGACCACTATGATAACTTTCGGATATATAAGGCTC-3'
Protein context (NP_612404.1, residues 443-463): QAEDYALVSA[Val453Met]ATLPKQVADH